The following is an entry in ClinVar:

ClinVar aggregate classification (germline): Likely benign. Review status: criteria provided, multiple submitters, no conflicts (2 of 4 stars). 3 submissions from 3 submitters: Likely benign (3). Last evaluated 2026-05-25.

Conditions:
Familial thoracic aortic aneurysm and aortic dissection (TAAD). Also called: Thoracic aortic aneurysms and dissections. Identifiers: Orphanet 91387, MedGen C4707243, MONDO:0019625.
Adams-Oliver syndrome 5 (AOS5). Identifiers: Orphanet 974, MedGen C4014970, MONDO:0014459, OMIM 616028.
NOTCH1-related disorder. Also called: NOTCH1-related condition; NOTCH1-related disorders.

Allele frequency attached by ClinVar (database versions not stated): gnomAD exomes 0.00002; gnomAD 0.00003; TOPMed 0.00004; ExAC 0.00005.

Submissions (3):

PreventionGenetics, part of Exact Sciences
Classification: Likely benign for NOTCH1-related condition. Last evaluated: 2026-05-25. Review status: criteria provided, single submitter. Criteria: ACMG Guidelines, 2015. Collection method: clinical testing. Allele origin: germline.
Comment: This variant is classified as likely benign based on ACMG/AMP sequence variant interpretation guidelines (Richards et al. 2015 PMID: 25741868, with internal and published modifications).

Labcorp Genetics (formerly Invitae), Labcorp
Classification: Likely benign for Adams-Oliver syndrome 5. Last evaluated: 2024-05-20. Review status: criteria provided, single submitter. Criteria: Invitae Variant Classification Sherloc (09022015). Collection method: clinical testing. Allele origin: germline.

Ambry Genetics
Classification: Likely benign for Familial thoracic aortic aneurysm and aortic dissection. Last evaluated: 2022-12-12. Review status: criteria provided, single submitter. Criteria: Ambry Variant Classification Scheme 2023. Collection method: clinical testing. Allele origin: germline.

NM_017617.5(NOTCH1):c.4596C>T (p.Tyr1532=)

Gene: NOTCH1 (notch receptor 1; minus strand). Cytogenetic location: 9q34.3.
Variant type: single nucleotide variant.
Coding change: c.4596C>T on transcript NM_017617.5 (MANE Select); coding-DNA position 4596, C replaced by T.
Protein change: p.Tyr1532=; no amino-acid change (tyrosine 1532 retained).
Molecular consequence: synonymous variant.
Genome position (GRCh38, 1-based): chr9:136,505,095, G>A on the plus strand (C>T on the coding strand, the complement: NOTCH1 is on the minus strand). VCF-style: chr9-136505095-G-A. GRCh37 (hg19) VCF-style: chr9-139399547-G-A.
Other names: c.4596C>T (NM_017617.3, NM_017617.4).
Identifiers: ClinVar variation 1120658 (VCV001120658.11), dbSNP rs751774685, ClinGen allele CA5340556.
Genomic context (GRCh38, chr9:136,505,095, plus strand): 5'-CGCGCTGTTGCAGCCCTGGTCGCAGTGCCCGTCGCTGAAGTGGTCCTTGCAGTACTGGTC[G>A]TACAGGGGGCTGTGGGGGGCGGGACACGCTCAGGCCGCCTTCCTCGGGGGGCCTCGCACC-3'
Protein context (NP_060087.3, residues 1522-1542): QRAEGQCNPL[Tyr1532=]DQYCKDHFSD